The following is an entry in ClinVar:

NM_000064.4(C3):c.1027C>T (p.Arg343Cys)

Gene: C3 (complement C3; minus strand). Cytogenetic location: 19p13.3.
Variant type: single nucleotide variant.
Coding change: c.1027C>T on transcript NM_000064.4 (MANE Select); coding-DNA position 1027, C replaced by T.
Protein change: p.Arg343Cys; replaces arginine 343 with cysteine.
Molecular consequence: missense variant.
Genome position (GRCh38, 1-based): chr19:6,712,600, G>A on the plus strand (C>T on the coding strand, the complement: C3 is on the minus strand). VCF-style: chr19-6712600-G-A. GRCh37 (hg19) VCF-style: chr19-6712611-G-A.
Other names: c.1027C>T (NM_000064.3, NM_000064.2); short protein forms R343C.
Identifiers: ClinVar variation 1011735 (VCV001011735.13), dbSNP rs772505177, ClinGen allele CA9129580.

ClinVar aggregate classification (germline): Uncertain significance. Review status: criteria provided, multiple submitters, no conflicts (2 of 4 stars). 6 submissions from 6 submitters: Uncertain significance (5). 1 of the submissions does not count toward it. Last evaluated 2026-09-17.

Conditions:
C3-related disorder. Also called: C3-related condition.
Age related macular degeneration 9. Identifiers: MedGen C1969651, MONDO:0012659, OMIM 611378.
Complement component 3 deficiency. Identifiers: Orphanet 280133, MedGen C3151071, MONDO:0013417, OMIM 613779.
Atypical hemolytic-uremic syndrome with C3 anomaly. Also called: AHUS, SUSCEPTIBILITY TO, 5. Identifiers: Orphanet 2134, MedGen C2752037, MONDO:0013043, OMIM 612925.
Inborn genetic diseases. Identifiers: MedGen C0950123, MeSH D030342.
Atypical hemolytic-uremic syndrome. Identifiers: Orphanet 2134, MedGen C2931788, MONDO:0016244.
C3 glomerulonephritis. Also called: C3 GLOMERULOPATHY 3; Nephropathy due to CFHR5 Deficiency. Identifiers: Orphanet 329931, MedGen C4055342, MONDO:0013892, OMIM 614809.

Allele frequency attached by ClinVar (database versions not stated): gnomAD exomes 0.00008; TOPMed 0.00008; gnomAD 0.00010 and 0.00011.
gnomAD v4.1: 133 of 1,613,928 alleles (0.0082%); highest among the groups gnomAD compares: African/African-American, 0.02%; no homozygotes.

Submissions (6):

Genomenon, Inc
Classification: Uncertain significance for Complement component 3 deficiency; C3 glomerulonephritis; Atypical hemolytic-uremic syndrome. Last evaluated: 2026-09-17. Review status: criteria provided, single submitter. Criteria: Genomenon Sequence Variant Interpretation Standards - Updated. Collection method: curation. Allele origin: germline. Affected: no.
Comment: C3 p.Arg343Cys (c.1027C>T) is a missense variant that changes the amino acid at codon 343 from Arginine to Cysteine. This variant has been reported in the published literature (PMID:33615079). It is absent or not present at a significant frequency in gnomAD. In silico models predict that this variant is not damaging. In conclusion, we classify C3 p.Arg343Cys (c.1027C>T) as a variant of uncertain significance.

Labcorp Genetics (formerly Invitae), Labcorp
Classification: Uncertain significance. Last evaluated: 2026-01-19. Review status: criteria provided, single submitter. Criteria: Invitae Variant Classification Sherloc (09022015). Collection method: clinical testing. Allele origin: germline.
Comment: This sequence change replaces arginine, which is basic and polar, with cysteine, which is neutral and slightly polar, at codon 343 of the C3 protein (p.Arg343Cys). This variant is present in population databases (rs772505177, gnomAD 0.009%). This variant has not been reported in the literature in individuals affected with C3-related conditions. ClinVar contains an entry for this variant (Variation ID: 1011735). Invitae Evidence Modeling of protein sequence and biophysical properties (such as structural, functional, and spatial information, amino acid conservation, physicochemical variation, residue mobility, and thermodynamic stability) indicates that this missense variant is expected to disrupt C3 protein function with a positive predictive value of 80%. In summary, the available evidence is currently insufficient to determine the role of this variant in disease. Therefore, it has been classified as a Variant of Uncertain Significance.

Ambry Genetics
Classification: Uncertain significance for Inborn genetic diseases. Last evaluated: 2024-05-20. Review status: criteria provided, single submitter. Criteria: Ambry Variant Classification Scheme 2023. Collection method: clinical testing. Allele origin: germline.

Fulgent Genetics
Classification: Uncertain significance for Age related macular degeneration 9; Atypical hemolytic-uremic syndrome with C3 anomaly; Complement component 3 deficiency. Last evaluated: 2024-03-30. Review status: criteria provided, single submitter. Criteria: ACMG Guidelines, 2015. Collection method: clinical testing. Allele origin: germline.

Blueprint Genetics
Classification: Uncertain significance. Last evaluated: 2023-05-26. Review status: criteria provided, single submitter. Criteria: ACMG Guidelines, 2015. Collection method: clinical testing. Allele origin: germline.

PreventionGenetics, part of Exact Sciences
Classification: Uncertain significance for C3-related condition. Last evaluated: 2024-04-05. Review status: no assertion criteria provided. Collection method: clinical testing. Allele origin: germline. Not counted in ClinVar's aggregate classification.
Comment: The C3 c.1027C>T variant is predicted to result in the amino acid substitution p.Arg343Cys. To our knowledge, this variant has not been reported in the literature. This variant is reported in 0.0085% of alleles in individuals of Latino descent in gnomAD. At this time, the clinical significance of this variant is uncertain due to the absence of conclusive functional and genetic evidence.

Literature cited by the submitters: PubMed 33615079 (cited by Genomenon, Inc).